The following is an entry in ClinVar:

NM_004526.4(MCM2):c.1371C>G (p.Thr457=)

Gene: MCM2 (minichromosome maintenance complex component 2; plus strand). Cytogenetic location: 3q21.3.
Variant type: single nucleotide variant.
Coding change: c.1371C>G on transcript NM_004526.4 (MANE Select); coding-DNA position 1371, C replaced by G.
Protein change: p.Thr457=; no amino-acid change (threonine 457 retained).
Molecular consequence: synonymous variant. On other transcripts: non-coding transcript variant (1).
Genome position (GRCh38, 1-based): chr3:127,608,966, C>G. VCF-style: chr3-127608966-C-G. GRCh37 (hg19) VCF-style: chr3-127327809-C-G.
Identifiers: ClinVar variation 1316205 (VCV001316205.7), dbSNP rs142512970, ClinGen allele CA2595866.
Genomic context (GRCh38, chr3:127,608,966, plus strand): 5'-TGTCATCCTAGCCAACCACGTGGCCAAGAAGGACAACAAGGTTGCTGTAGGGGAACTGAC[C>G]GATGAAGATGTGAAGATGATCACTAGCCTCTCCAAGGATCAGCAGATCGGAGAGAAGGTA-3'
Protein context (NP_004517.2, residues 447-467): KDNKVAVGEL[Thr457=]DEDVKMITSL

ClinVar aggregate classification (germline): Benign/Likely benign. Review status: criteria provided, multiple submitters, no conflicts (2 of 4 stars). 4 submissions from 4 submitters: Benign (1); Likely benign (3). Last evaluated 2025-12-10.

Conditions:
MCM2-related disorder. Also called: MCM2-related condition.

Allele frequency attached by ClinVar (database versions not stated): ESP Exome Variant Server 0.00038.
gnomAD v4.1: 122 of 1,614,074 alleles (0.0076%); highest among the groups gnomAD compares: African/African-American, 0.14%; no homozygotes.

Submissions (4):

Labcorp Genetics (formerly Invitae), Labcorp
Classification: Benign. Last evaluated: 2025-12-10. Review status: criteria provided, single submitter. Criteria: Invitae Variant Classification Sherloc (09022015). Collection method: clinical testing. Allele origin: germline.

PreventionGenetics, part of Exact Sciences
Classification: Likely benign for MCM2-related condition. Last evaluated: 2025-02-01. Review status: criteria provided, single submitter. Criteria: ACMG Guidelines, 2015. Collection method: clinical testing. Allele origin: germline.
Comment: This variant is classified as likely benign based on ACMG/AMP sequence variant interpretation guidelines (Richards et al. 2015 PMID: 25741868, with internal and published modifications).

Blueprint Genetics
Classification: Likely benign. Last evaluated: 2024-10-22. Review status: criteria provided, single submitter. Criteria: ACMG Guidelines, 2015. Collection method: clinical testing. Allele origin: germline.

GeneDx
Classification: Likely benign. Last evaluated: 2021-01-11. Review status: criteria provided, single submitter. Criteria: GeneDx Variant Classification Process June 2021. Collection method: clinical testing. Allele origin: germline. Affected: yes.